The following is an entry in ClinVar:

NM_000093.5(COL5A1):c.3007-96G>A

Gene: COL5A1 (collagen type V alpha 1 chain; plus strand). Cytogenetic location: 9q34.3.
Variant type: single nucleotide variant.
Coding change: c.3007-96G>A on transcript NM_000093.5 (MANE Select); 96 bases into the intron before coding-DNA position 3007, G replaced by A.
Molecular consequence: intron variant.
Genome position (GRCh38, 1-based): chr9:134,802,792, G>A. VCF-style: chr9-134802792-G-A. GRCh37 (hg19) VCF-style: chr9-137694638-G-A.
Other names: c.3007-96G>A (NM_001278074.1).
Identifiers: ClinVar variation 673383 (VCV000673383.2), dbSNP rs41311216, ClinGen allele CA13077992.
Genomic context (GRCh38, chr9:134,802,792, plus strand): 5'-CGGGAAGAGAAGGCTTGCAAAGGCACTTGGAGGTTTGGTGTGCCCGCAGCAGACCTTTGC[G>A]TCCATGACCAGGGCTGTCCTTAGATTTAGGAAGAGATTCTCACTCCCTTGCAAGTCACTC-3'

ClinVar aggregate classification (germline): Likely benign. Review status: criteria provided, multiple submitters, no conflicts (2 of 4 stars). 2 submissions from 2 submitters: Likely benign (2). Last evaluated 2018-06-14.

Allele frequency attached by ClinVar (database versions not stated): TOPMed 0.02945; gnomAD 0.03030 and 0.03156; 1000 Genomes Project 30x 0.03779; 1000 Genomes Project 0.03814; gnomAD exomes 0.03861.
gnomAD v4.1: 35,452 of 944,346 alleles (3.8%); highest among the groups gnomAD compares: South Asian, 5.8%; 802 homozygotes.

Submissions (2):

GeneDx
Classification: Likely benign. Last evaluated: 2018-06-14. Review status: criteria provided, single submitter. Criteria: GeneDx Variant Classification (06012015). Collection method: clinical testing. Allele origin: germline. Affected: yes.
Comment: This variant is considered likely benign or benign based on one or more of the following criteria: it is a conservative change, it occurs at a poorly conserved position in the protein, it is predicted to be benign by multiple in silico algorithms, and/or has population frequency not consistent with disease.

Breakthrough Genomics
Classification: Likely benign. Review status: criteria provided, single submitter. Criteria: ACMG Guidelines, 2015. Collection method: not provided. Allele origin: germline. Inheritance: Autosomal dominant inheritance. Affected: yes.